The following is an entry in ClinVar:

ClinVar aggregate classification (germline): Uncertain significance (1 of 4 stars; one submission).

Conditions:
Familial adenomatous polyposis 1 (FAP1). Also called: FAMILIAL ADENOMATOUS POLYPOSIS 1, ATTENUATED; POLYPOSIS, ADENOMATOUS INTESTINAL. Identifiers: MedGen C2713442, MONDO:0021056, OMIM 175100. Disease mechanism: loss of function.

Submission:

Labcorp Genetics (formerly Invitae), Labcorp
Classification: Uncertain significance for Familial adenomatous polyposis 1. Last evaluated: 2019-10-21. Review status: criteria provided, single submitter. Criteria: Invitae Variant Classification Sherloc (09022015). Collection method: clinical testing. Allele origin: germline.
Comment: In summary, the available evidence is currently insufficient to determine the role of this variant in disease. Therefore, it has been classified as a Variant of Uncertain Significance. Algorithms developed to predict the effect of missense changes on protein structure and function are either unavailable or do not agree on the potential impact of this missense change (SIFT: "Deleterious"; PolyPhen-2: "Probably Damaging"; Align-GVGD: "Class C0"). This variant has not been reported in the literature in individuals with APC-related conditions. This variant is not present in population databases (ExAC no frequency). This sequence change replaces glutamic acid with lysine at codon 2582 of the APC protein (p.Glu2582Lys). The glutamic acid residue is highly conserved and there is a small physicochemical difference between glutamic acid and lysine.

NM_000038.6(APC):c.7744G>A (p.Glu2582Lys)

Gene: APC (APC regulator of Wnt signaling pathway; plus strand). Cytogenetic location: 5q22.2.
Variant type: single nucleotide variant.
Coding change: c.7744G>A on transcript NM_000038.6 (MANE Select); coding-DNA position 7744, G replaced by A.
Protein change: p.Glu2582Lys; replaces glutamic acid 2582 with lysine.
Molecular consequence: missense variant.
Genome position (GRCh38, 1-based): chr5:112,843,338, G>A. VCF-style: chr5-112843338-G-A. GRCh37 (hg19) VCF-style: chr5-112179035-G-A.
Other names: c.7744G>A, p.Glu2582Lys (NM_001127510.3, NM_001354895.2); c.7690G>A, p.Glu2564Lys (NM_001127511.3); c.7798G>A, p.Glu2600Lys (NM_001354896.2); c.7774G>A, p.Glu2592Lys (NM_001354897.2); c.7669G>A, p.Glu2557Lys (NM_001354898.2); c.7660G>A, p.Glu2554Lys (NM_001354899.2); c.7621G>A, p.Glu2541Lys (NM_001354900.2); c.7567G>A, p.Glu2523Lys (NM_001354901.2); and 5 more; short protein forms E2299K, E2456K, E2523K, E2564K, E2481K, E2557K, E2592K, E2422K.
Identifiers: ClinVar variation 964392 (VCV000964392.11), dbSNP rs1451906942, ClinGen allele CA16038148.